The following is an entry in ClinVar:

NM_000701.8(ATP1A1):c.2221G>A (p.Val741Met)

Genes: ATP1A1 (ATPase Na+/K+ transporting subunit alpha 1; plus strand), ATP1A1-AS1 (ATP1A1 antisense RNA 1; minus strand). Cytogenetic location: 1p13.1.
Variant type: single nucleotide variant.
Coding change: c.2221G>A on transcript NM_000701.8 (MANE Select); coding-DNA position 2221, G replaced by A.
Protein change: p.Val741Met; replaces valine 741 with methionine.
Molecular consequence: missense variant.
Genome position (GRCh38, 1-based): chr1:116,398,717, G>A. VCF-style: chr1-116398717-G-A. GRCh37 (hg19) VCF-style: chr1-116941339-G-A.
Other names: c.2221G>A, p.Val741Met (NM_001160233.2); c.2128G>A, p.Val710Met (NM_001160234.2); short protein forms V710M, V741M.
Identifiers: ClinVar variation 2727144 (VCV002727144.3), dbSNP rs2525881016, ClinGen allele CA341773182.
Genomic context (GRCh38, chr1:116,398,717, plus strand): 5'-GACTCTCCAGCTTTGAAGAAAGCAGACATTGGGGTTGCTATGGGGATTGCTGGCTCAGAT[G>A]TGTCCAAGCAAGCTGCTGACATGATTCTTCTGGATGACAACTTTGCCTCAATTGTGACTG-3'
Protein context (NP_000692.2, residues 731-751): GVAMGIAGSD[Val741Met]SKQAADMILL

ClinVar aggregate classification (germline): Uncertain significance (1 of 4 stars; one submission).

Submission:

Labcorp Genetics (formerly Invitae), Labcorp
Classification: Uncertain significance. Last evaluated: 2023-10-03. Review status: criteria provided, single submitter. Criteria: Invitae Variant Classification Sherloc (09022015). Collection method: clinical testing. Allele origin: germline.
Comment: This sequence change replaces valine, which is neutral and non-polar, with methionine, which is neutral and non-polar, at codon 741 of the ATP1A1 protein (p.Val741Met). This variant is not present in population databases (gnomAD no frequency). This variant has not been reported in the literature in individuals affected with ATP1A1-related conditions. Advanced modeling of protein sequence and biophysical properties (such as structural, functional, and spatial information, amino acid conservation, physicochemical variation, residue mobility, and thermodynamic stability) performed at Invitae indicates that this missense variant is expected to disrupt ATP1A1 protein function. In summary, the available evidence is currently insufficient to determine the role of this variant in disease. Therefore, it has been classified as a Variant of Uncertain Significance.